The following is an entry in ClinVar:

ClinVar aggregate classification (germline): Uncertain significance (1 of 4 stars; one submission).

Conditions:
Hereditary cancer-predisposing syndrome. Also called: Tumor predisposition; Hereditary Cancer Syndrome; Hereditary neoplastic syndrome; Neoplastic Syndromes, Hereditary. Identifiers: Orphanet 140162, MedGen C0027672, MeSH D009386, MONDO:0015356.

Submission:

Ambry Genetics
Classification: Uncertain significance for Hereditary cancer-predisposing syndrome. Last evaluated: 2025-12-11. Review status: criteria provided, single submitter. Criteria: Ambry Variant Classification Scheme 2023. Collection method: clinical testing. Allele origin: germline.
Comment: The p.S193T variant (also known as c.578G>C), located in coding exon 6 of the SDHB gene, results from a G to C substitution at nucleotide position 578. The serine at codon 193 is replaced by threonine, an amino acid with similar properties. This amino acid position is highly conserved in available vertebrate species. In addition, this alteration is predicted to be deleterious by in silico analysis. Based on the available evidence, the clinical significance of this variant remains unclear.

NM_003000.3(SDHB):c.578G>C (p.Ser193Thr)

Gene: SDHB (succinate dehydrogenase complex iron sulfur subunit B; minus strand). Cytogenetic location: 1p36.13.
Variant type: single nucleotide variant.
Coding change: c.578G>C on transcript NM_003000.3 (MANE Select); coding-DNA position 578, G replaced by C.
Protein change: p.Ser193Thr; replaces serine 193 with threonine.
Molecular consequence: missense variant.
Genome position (GRCh38, 1-based): chr1:17,024,037, C>G on the plus strand (G>C on the coding strand, the complement: SDHB is on the minus strand). VCF-style: chr1-17024037-C-G. GRCh37 (hg19) VCF-style: chr1-17350532-C-G.
Other names: c.524G>C, p.Ser175Thr (NM_001407361.1); short protein forms S175T, S193T.
Identifiers: ClinVar variation 4547824 (VCV004547824.1).